The following is an entry in ClinVar:

NM_000179.3(MSH6):c.3729A>G (p.Thr1243=)

Gene: MSH6 (mutS homolog 6; plus strand). Cytogenetic location: 2p16.3.
Variant type: single nucleotide variant.
Coding change: c.3729A>G on transcript NM_000179.3 (MANE Select); coding-DNA position 3729, A replaced by G.
Protein change: p.Thr1243=; no amino-acid change (threonine 1243 retained).
Molecular consequence: synonymous variant.
Genome position (GRCh38, 1-based): chr2:47,806,286, A>G. VCF-style: chr2-47806286-A-G. GRCh37 (hg19) VCF-style: chr2-48033425-A-G.
Other names: c.3339A>G, p.Thr1113= (NM_001281492.2); c.2823A>G, p.Thr941= (NM_001281493.2, NM_001281494.2).
Identifiers: ClinVar variation 183754 (VCV000183754.82), dbSNP rs773807182, ClinGen allele CA014121.

ClinVar aggregate classification (germline): Benign/Likely benign. Review status: criteria provided, multiple submitters, no conflicts (2 of 4 stars). 15 submissions from 15 submitters: Benign (3); Likely benign (10). 2 of the submissions do not count toward it. Last evaluated 2026-01-24.

Conditions:
MSH6-related disorder. Also called: MSH6-related condition; MSH6-Related disorders.
Hereditary nonpolyposis colorectal neoplasms. Identifiers: MedGen C0009405, MeSH D003123.
Hereditary cancer-predisposing syndrome. Also called: Tumor predisposition; Neoplastic Syndromes, Hereditary; Hereditary Cancer Syndrome; Hereditary neoplastic syndrome. Identifiers: Orphanet 140162, MedGen C0027672, MeSH D009386, MONDO:0015356.
Lynch syndrome 5 (LYNCH5). Also called: Hereditary non-polyposis colorectal cancer, type 5; Colorectal cancer, hereditary nonpolyposis, type 5. Identifiers: Orphanet 144, MedGen C1833477, MONDO:0013710, OMIM 614350. Disease mechanism: loss of function.

Allele frequency attached by ClinVar (database versions not stated): TOPMed 0.00002; ExAC 0.00003; gnomAD 0.00003 and 0.00004; gnomAD exomes 0.00003 and 0.00005.
gnomAD v4.1: 51 of 1,614,012 alleles (0.0032%); highest among the groups gnomAD compares: Admixed American, 0.015%; no homozygotes.

Submissions (15):

Labcorp Genetics (formerly Invitae), Labcorp
Classification: Likely benign for Hereditary nonpolyposis colorectal neoplasms. Last evaluated: 2026-01-24. Review status: criteria provided, single submitter. Criteria: Invitae Variant Classification Sherloc (09022015). Collection method: clinical testing. Allele origin: germline.

Center for Genomic Medicine, Rigshospitalet, Copenhagen University Hospital
Classification: Likely benign. Last evaluated: 2025-03-04. Review status: criteria provided, single submitter. Criteria: ACMG Guidelines, 2015. Collection method: clinical testing. Allele origin: germline.

Blueprint Genetics
Classification: Likely benign. Last evaluated: 2024-11-13. Review status: criteria provided, single submitter. Criteria: ACMG Guidelines, 2015. Collection method: clinical testing. Allele origin: germline.

CeGaT Center for Human Genetics Tuebingen
Classification: Likely benign. Last evaluated: 2023-09-01. Review status: criteria provided, single submitter. Criteria: CeGaT Center For Human Genetics Tuebingen Variant Classification Criteria Version 2. Collection method: clinical testing. Allele origin: germline. Affected: yes. Observed: 3 variant alleles.
Comment: MSH6: BP4, BP7

Myriad Genetics, Inc.
Classification: Benign for Lynch syndrome 5. Last evaluated: 2023-03-28. Review status: criteria provided, single submitter. Criteria: Myriad Autosomal Dominant, Autosomal Recessive and X-Linked Classification Criteria (2023). Collection method: clinical testing. Allele origin: unknown.
Comment: This variant is considered benign. This variant is a silent/synonymous amino acid change and it is not expected to impact splicing.

Women's Health and Genetics/Laboratory Corporation of America, LabCorp
Classification: Likely benign. Last evaluated: 2023-01-22. Review status: criteria provided, single submitter. Criteria: LabCorp Variant Classification Summary - May 2015. Collection method: clinical testing. Allele origin: germline.

Quest Diagnostics Nichols Institute San Juan Capistrano
Classification: Likely benign. Last evaluated: 2022-08-11. Review status: criteria provided, single submitter. Criteria: Quest Diagnostics criteria. Collection method: clinical testing. Allele origin: unknown.

Sema4
Classification: Likely benign for Hereditary cancer-predisposing syndrome. Last evaluated: 2021-04-15. Review status: criteria provided, single submitter. Criteria: Sema4 Curation Guidelines. Collection method: curation. Allele origin: germline.

Genetic Services Laboratory, University of Chicago
Classification: Likely benign. Last evaluated: 2018-09-25. Review status: criteria provided, single submitter. Criteria: ACMG Guidelines, 2015. Collection method: clinical testing. Allele origin: germline. Affected: no.

ARUP Laboratories, Molecular Genetics and Genomics, ARUP Laboratories
Classification: Likely benign. Last evaluated: 2018-09-23. Review status: criteria provided, single submitter. Criteria: ARUP Molecular Germline Variant Investigation Process. Collection method: clinical testing. Allele origin: germline.

Color Diagnostics, LLC DBA Color Health
Classification: Benign for Hereditary cancer-predisposing syndrome. Last evaluated: 2016-09-12. Review status: criteria provided, single submitter. Criteria: ACMG Guidelines, 2015. Collection method: clinical testing. Allele origin: germline.

GeneDx
Classification: Benign. Last evaluated: 2015-09-25. Review status: criteria provided, single submitter. Criteria: GeneDx Variant Classification Process June 2021. Collection method: clinical testing. Allele origin: germline. Affected: yes.

Ambry Genetics
Classification: Likely benign for Hereditary cancer-predisposing syndrome. Last evaluated: 2015-04-10. Review status: criteria provided, single submitter. Criteria: Ambry Variant Classification Scheme 2023. Collection method: clinical testing. Allele origin: germline.

PreventionGenetics, part of Exact Sciences
Classification: Likely benign for MSH6-related condition. Last evaluated: 2019-09-05. Review status: no assertion criteria provided. Collection method: clinical testing. Allele origin: germline. Not counted in ClinVar's aggregate classification.
Comment: This variant is classified as likely benign based on ACMG/AMP sequence variant interpretation guidelines (Richards et al. 2015 PMID: 25741868, with internal and published modifications).

Counsyl
Classification: Likely benign for Lynch syndrome 5. Last evaluated: 2018-02-20. Review status: no assertion criteria provided. Collection method: clinical testing. Allele origin: unknown. Not counted in ClinVar's aggregate classification.